The following is an entry in ClinVar:

NM_018121.4(SLF2):c.2719T>C (p.Ser907Pro)

Gene: SLF2 (SMC5-SMC6 complex localization factor 2; plus strand). Cytogenetic location: 10q24.31.
Variant type: single nucleotide variant.
Coding change: c.2719T>C on transcript NM_018121.4 (MANE Select); coding-DNA position 2719, T replaced by C.
Protein change: p.Ser907Pro; replaces serine 907 with proline.
Molecular consequence: missense variant.
Genome position (GRCh38, 1-based): chr10:100,944,090, T>C. VCF-style: chr10-100944090-T-C. GRCh37 (hg19) VCF-style: chr10-102703847-T-C.
Other names: c.2719T>C, p.Ser907Pro (NM_001136123.2); short protein forms S907P.
Identifiers: ClinVar variation 3042225 (VCV003042225.2), dbSNP rs145182528, ClinGen allele CA5651700.

ClinVar aggregate classification (germline): Likely benign (0 of 4 stars; one submission).

Conditions:
SLF2-related disorder. Also called: SLF2-related condition.

Allele frequency attached by ClinVar (database versions not stated): 1000 Genomes Project 0.00100; ESP Exome Variant Server 0.00185.
gnomAD v4.1: 4,378 of 1,613,010 alleles (0.27%); highest among the groups gnomAD compares: Non-Finnish European, 0.35%; 7 homozygotes.

Submission:

PreventionGenetics, part of Exact Sciences
Classification: Likely benign for SLF2-related condition. Last evaluated: 2022-06-22. Review status: no assertion criteria provided. Collection method: clinical testing. Allele origin: germline.
Comment: This variant is classified as likely benign based on ACMG/AMP sequence variant interpretation guidelines (Richards et al. 2015 PMID: 25741868, with internal and published modifications).